The following is an entry in ClinVar:

ClinVar aggregate classification (germline): Likely benign (0 of 4 stars; one submission).

Conditions:
KIAA0586-related disorder. Also called: KIAA0586-related condition; KIAA0586- Related disorders.

Allele frequency attached by ClinVar (database versions not stated): TOPMed 0.00001.
gnomAD v4.1: 1 of 1,574,904 alleles (0.000063%); highest among the groups gnomAD compares: Non-Finnish European, 0.000086%; no homozygotes.

Submission:

PreventionGenetics, part of Exact Sciences
Classification: Likely benign for KIAA0586-related condition. Last evaluated: 2019-06-06. Review status: no assertion criteria provided. Collection method: clinical testing. Allele origin: germline.
Comment: This variant is classified as likely benign based on ACMG/AMP sequence variant interpretation guidelines (Richards et al. 2015 PMID: 25741868, with internal and published modifications).

NM_001329943.3(KIAA0586):c.3114G>C (p.Gly1038=)

Gene: KIAA0586 (KIAA0586; plus strand). Cytogenetic location: 14q23.1.
Variant type: single nucleotide variant.
Coding change: c.3114G>C on transcript NM_001329943.3 (MANE Select); coding-DNA position 3114, G replaced by C.
Protein change: p.Gly1038=; no amino-acid change (glycine 1038 retained).
Molecular consequence: synonymous variant.
Genome position (GRCh38, 1-based): chr14:58,482,682, G>C. VCF-style: chr14-58482682-G-C. GRCh37 (hg19) VCF-style: chr14-58949400-G-C.
Other names: c.3273G>C, p.Gly1091= (NM_001244189.2); c.3069G>C, p.Gly1023= (NM_001244190.2); c.2859G>C, p.Gly953= (NM_001244191.2, NM_001329945.2, NM_001364700.1 and 1 more transcripts); c.2982G>C, p.Gly994= (NM_001244192.2); c.2694G>C, p.Gly898= (NM_001244193.2); c.3114G>C, p.Gly1038= (NM_001329944.2, NM_001329946.2, NM_001329947.2); c.2886G>C, p.Gly962= (NM_014749.5).
Identifiers: ClinVar variation 3033625 (VCV003033625.2), dbSNP rs549007767, ClinGen allele CA486544381.